The following is an entry in ClinVar:

ClinVar aggregate classification (germline): Pathogenic. Review status: criteria provided, multiple submitters, no conflicts (2 of 4 stars). 27 submissions from 26 submitters: Pathogenic (24). 3 of the submissions do not count toward it. Last evaluated 2025-12-30.
ClinVar aggregate classification (oncogenicity): Likely oncogenic (1 of 4 stars; one submission).

Conditions:
NF1-related disorder. Also called: NF1-related condition. Identifiers: MedGen CN379171.
Neurofibromatosis, type 1 (NF1). Also called: Peripheral type neurofibromatosis; NEUROFIBROMATOSIS, TYPE I, SOMATIC; VON RECKLINGHAUSEN DISEASE; Neurofibromatosis, type I. Identifiers: Orphanet 636, MedGen C0027831, MONDO:0018975, OMIM 162200. Disease mechanism: loss of function.
Tibial pseudarthrosis. Identifiers: MedGen C4024216, HP:0009736.
Hereditary cancer-predisposing syndrome. Also called: Neoplastic Syndromes, Hereditary; Tumor predisposition; Hereditary Cancer Syndrome; Hereditary neoplastic syndrome. Identifiers: Orphanet 140162, MedGen C0027672, MeSH D009386, MONDO:0015356.
Cardiovascular phenotype. Identifiers: MedGen CN230736.
Neurofibromatosis-Noonan syndrome (NFNS). Also called: NEUROFIBROMATOSIS WITH NOONAN PHENOTYPE. Identifiers: Orphanet 638, MedGen C2931482, MONDO:0011035, OMIM 601321. Disease mechanism: loss of function.
Café-au-lait macules with pulmonary stenosis (WTSN). Also called: PULMONIC STENOSIS WITH CAFE-AU-LAIT SPOTS. Identifiers: MedGen C0553586, MONDO:0008672, OMIM 193520.
Juvenile myelomonocytic leukemia (JMML). Also called: LEUKEMIA, JUVENILE MYELOMONOCYTIC, SOMATIC. Identifiers: Orphanet 86834, MedGen C0349639, MONDO:0011908, OMIM 607785, HP:0012209.
Neurofibromatosis, familial spinal (FSNF). Identifiers: Orphanet 636, MedGen C1834235, MONDO:0008078, OMIM 162210. Disease mechanism: loss of function.
Neoplasm. Also called: tumor; Neoplasms; Neoplasm (disease). Identifiers: MedGen C0027651, MeSH D009369, MONDO:0005070, HP:0002664.

Allele frequency attached by ClinVar (database versions not stated): gnomAD exomes below 0.00001; TOPMed 0.00001.
gnomAD v4.1: 3 of 1,613,512 alleles (0.00019%); highest among the groups gnomAD compares: South Asian, 0.0011%; no homozygotes.

Submissions 1 to 14 of 28:

Labcorp Genetics (formerly Invitae), Labcorp
Classification: Pathogenic for Neurofibromatosis, type 1. Last evaluated: 2025-12-30. Review status: criteria provided, single submitter. Criteria: Invitae Variant Classification Sherloc (09022015). Collection method: clinical testing. Allele origin: germline.
Comment: This sequence change creates a premature translational stop signal (p.Arg1947*) in the NF1 gene. It is expected to result in an absent or disrupted protein product. Loss-of-function variants in NF1 are known to be pathogenic (PMID: 10712197, 23913538). This variant is not present in population databases (gnomAD no frequency). This premature translational stop signal has been observed in individual(s) with clinical features of neurofibromatosis type 1 (PMID: 2114220, 7649559, 7903661, 8069310, 8385067, 10076878; internal data). In at least one individual the variant was observed to be de novo. Invitae Evidence Modeling of clinical and family history, age, sex, and reported ancestry of multiple individuals with this NF1 variant has been performed. This variant is expected to be pathogenic with a positive predictive value of at least 99%. This is a validated machine learning model that incorporates the clinical features of 1,785,918 individuals referred to our laboratory for NF1 testing. This variant is also known as 1087C>T and c.5902C>T (Arg1968Ter). ClinVar contains an entry for this variant (Variation ID: 343). For these reasons, this variant has been classified as Pathogenic.

Center for Genomic Medicine, Rigshospitalet, Copenhagen University Hospital
Classification: Pathogenic. Last evaluated: 2025-12-29. Review status: criteria provided, single submitter. Criteria: ACMG Guidelines, 2015. Collection method: clinical testing. Allele origin: germline.

Clinical Genomics Laboratory, Washington University in St. Louis
Classification: Pathogenic for Neurofibromatosis, type 1. Last evaluated: 2025-12-15. Review status: criteria provided, single submitter. Criteria: Leon-Quintero et al. (Clin Genet. 2025). Collection method: clinical testing. Allele origin: somatic. Affected: yes.
Comment: An NF1 c.5902C>T (p.Arg1968*) variant was identified at an allelic fraction consistent with somatic origin. This variant has been reported in the literature in several individuals affected with neurofibromatosis type 1 (Klose A et al., PMID: 10076878; Riva M et al., PMID: 34427956; Yang Q et al., PMID: 18407053; Consoli C et al., PMID: 16117786; Origone P et al., PMID: 12112660; Andrews JD et al., PMID: 8845843). It has also been reported in the ClinVar database as a germline pathogenic variant by several submitters and somatic likely oncogenic variant by one submitter (Variation ID: 343). It is only observed on 3/1,613,512 alleles in the general population (gnomAD v4.1.0). This nonsense variant leads to a premature termination codon, which is predicted to lead to nonsense-mediated decay. Based on available information and an internally developed protocol informed by the ACMG/AMP guidelines for variant interpretation and gene-specific practices from the ClinGen Criteria Specification Registry (Leon-Quintero FZ et al., PMID: 39434542), the NF1 c.5902C>T (p.Arg1968*) variant is classified as pathogenic.

Dasa
Classification: Pathogenic. Last evaluated: 2025-08-25. Review status: criteria provided, single submitter. Criteria: DASA Assertion Criteria. Collection method: clinical testing. Allele origin: germline.
Comment: NM_001042492.3(NF1):c.5902C>T (p.Arg1968*) introduces a premature termination codon predicted to result in loss of normal protein function. Loss-of-function is an established mechanism of disease for this gene. Segregation evidence has been reported in affected families. This variant has been recurrently observed in individuals with related phenotype (PMID: 7903661; PMID: 10721668; PMID: 7649559; PMID: 8069310). The variant is present at low frequency in population datasets. Based on the available data, this variant is classified as pathogenic.

3billion
Classification: Pathogenic for Neurofibromatosis, type 1. Last evaluated: 2025-07-19. Review status: criteria provided, single submitter. Criteria: ACMG Guidelines, 2015. Collection method: clinical testing. Allele origin: germline. Affected: yes.
Comment: The variant is observed at an extremely low frequency in the gnomAD v4.1.0 dataset (total allele frequency: <0.001%). Predicted Consequence/Location: Stop-gained (nonsense): predicted to result in a loss or disruption of normal protein function through nonsense-mediated decay (NMD) or protein truncation. Multiple pathogenic variants are reported downstream of the variant. The variant has been reported at least twice as pathogenic with clinical assertions and evidence for the classification (ClinVar ID: VCV000000343 /PMID: 2114220). Therefore, this variant is classified as Pathogenic according to the recommendation of ACMG/AMP guideline.

Center for Genomic Medicine, Rigshospitalet, Copenhagen University Hospital
Classification: Likely oncogenic for Neoplasm. Last evaluated: 2025-03-04. Review status: criteria provided, single submitter. Criteria: ClinGen/CGC/VICC Guidelines for Oncogenicity, 2022. Collection method: clinical testing. Allele origin: somatic. Affected: yes.

NHS Central & South Genomic Laboratory Hub
Classification: Pathogenic for Neurofibromatosis type 1. Last evaluated: 2024-11-11. Review status: criteria provided, single submitter. Criteria: ACMG Guidelines, 2015. Collection method: clinical testing. Allele origin: germline. Affected: yes.

Blueprint Genetics
Classification: Pathogenic for NF1-related disorders. Last evaluated: 2024-11-04. Review status: criteria provided, single submitter. Criteria: ACMG Guidelines, 2015. Collection method: clinical testing. Allele origin: germline. Affected: yes. Observed: 5 variant alleles.

Genomic Medicine Center of Excellence, King Faisal Specialist Hospital and Research Centre
Classification: Pathogenic for Neurofibromatosis, type 1. Last evaluated: 2024-03-29. Review status: criteria provided, single submitter. Criteria: ACMG Guidelines, 2015. Collection method: clinical testing. Allele origin: germline.

PreventionGenetics, part of Exact Sciences
Classification: Pathogenic for NF1-related condition. Last evaluated: 2022-09-28. Review status: criteria provided, single submitter. Criteria: ACMG Guidelines, 2015. Collection method: clinical testing. Allele origin: germline.
Comment: The NF1 c.5902C>T variant is predicted to result in premature protein termination (p.Arg1968*). This variant, referred to as c.5839C>T (p.Arg1947*) in an alternate transcript (NM_000267.3), has been reported in multiple individuals with neurofibromatosis type 1 (see for example - Fashold et al. 2000. PubMed ID: 10712197; de Luca et al. 2004. PubMed ID: 15146469). To our knowledge, this variant has not been reported in a large population database, indicating this variant is rare. This variant is interpreted as pathogenic in Clinvar. Nonsense variants in NF1 are expected to be pathogenic. This variant is interpreted as pathogenic.

Clinical Genetics Laboratory, Skane University Hospital Lund
Classification: Pathogenic. Last evaluated: 2022-05-27. Review status: criteria provided, single submitter. Criteria: ACMG Guidelines, 2015. Collection method: clinical testing. Allele origin: germline. Affected: yes.

CeGaT Center for Human Genetics Tuebingen
Classification: Pathogenic. Last evaluated: 2022-05-01. Review status: criteria provided, single submitter. Criteria: CeGaT Center For Human Genetics Tuebingen Variant Classification Criteria Version 2. Collection method: clinical testing. Allele origin: germline. Affected: yes. Observed: 1 variant allele.
Comment: NF1: PVS1, PM2

Genome-Nilou Lab
Classification: Pathogenic for Neurofibromatosis, type 1. Last evaluated: 2022-03-15. Review status: criteria provided, single submitter. Criteria: ACMG Guidelines, 2015. Collection method: clinical testing. Allele origin: germline. Affected: no.

GeneDx
Classification: Pathogenic. Last evaluated: 2022-01-11. Review status: criteria provided, single submitter. Criteria: GeneDx Variant Classification Process June 2021. Collection method: clinical testing. Allele origin: germline. Affected: yes.
Comment: Nonsense variant predicted to result in protein truncation or nonsense mediated decay in a gene for which loss-of-function is a known mechanism of disease; Not observed at significant frequency in large population cohorts (gnomAD); This variant is associated with the following publications: (PMID: 15146469, 16944272, 22913777, 8845843, 9042399, 25525159, 9195229, 24232412, 1757093, 18546366, 12552569, 27322474, 22155606, 7649559, 11015700, 10721668, 7903661, 8385067, 9101300, 2114220, 26969325, 10076878, 21354044, 29178821, 28124441, 19142971, 16117786, 30290804, 31533797, 31370276, 33443663)

NM_001042492.3(NF1):c.5902C>T (p.Arg1968Ter)

Gene: NF1 (neurofibromin 1; plus strand). Cytogenetic location: 17q11.2.
Variant type: single nucleotide variant.
Coding change: c.5902C>T on transcript NM_001042492.3 (MANE Select); coding-DNA position 5902, C replaced by T.
Protein change: p.Arg1968Ter; replaces arginine 1968 with a stop codon.
Molecular consequence: nonsense.
Genome position (GRCh38, 1-based): chr17:31,334,927, C>T. VCF-style: chr17-31334927-C-T. GRCh37 (hg19) VCF-style: chr17-29661945-C-T.
Other names: c.5839C>T, p.Arg1947Ter (NM_000267.4); short protein forms R1947*, R1968*.
Identifiers: ClinVar variation 343 (VCV000000343.66), dbSNP rs137854552, ClinGen allele CA325489.